The following is an entry in ClinVar:

NM_000432.4(MYL2):c.93+11C>G

Genes: MYL2 (myosin light chain 2; minus strand), LOC114827850 (VISTA enhancer hs2149; plus strand). Cytogenetic location: 12q24.11.
Variant type: single nucleotide variant.
Coding change: c.93+11C>G on transcript NM_000432.4 (MANE Select); 11 bases into the intron after coding-DNA position 93, C replaced by G.
Molecular consequence: intron variant.
Genome position (GRCh38, 1-based): chr12:110,919,093, G>C on the plus strand (C>G on the coding strand, the complement: MYL2 is on the minus strand). VCF-style: chr12-110919093-G-C. GRCh37 (hg19) VCF-style: chr12-111356897-G-C.
Identifiers: ClinVar variation 1346413 (VCV001346413.6), dbSNP rs1217072106, ClinGen allele CA2063079066.

ClinVar aggregate classification (germline): Uncertain significance (1 of 4 stars; one submission).

Conditions:
Hypertrophic cardiomyopathy 10. Also called: MYL2-Related Familial Hypertrophic Cardiomyopathy; CARDIOMYOPATHY, HYPERTROPHIC, MID-LEFT VENTRICULAR CHAMBER TYPE, 2. Identifiers: MedGen C1834460, MONDO:0012112, OMIM 608758.

Allele frequency attached by ClinVar (database versions not stated): TOPMed 0.00001.
gnomAD v4.1: 2 of 1,613,094 alleles (0.00012%); highest among the groups gnomAD compares: Admixed American, 0.0017%; no homozygotes.

Submission:

Labcorp Genetics (formerly Invitae), Labcorp
Classification: Uncertain significance for Hypertrophic cardiomyopathy 10. Last evaluated: 2022-08-09. Review status: criteria provided, single submitter. Criteria: Invitae Variant Classification Sherloc (09022015). Collection method: clinical testing. Allele origin: germline.
Comment: In summary, the available evidence is currently insufficient to determine the role of this variant in disease. Therefore, it has been classified as a Variant of Uncertain Significance. Algorithms developed to predict the effect of sequence changes on RNA splicing suggest that this variant may create or strengthen a splice site. ClinVar contains an entry for this variant (Variation ID: 1346413). This variant has not been reported in the literature in individuals affected with MYL2-related conditions. This variant is not present in population databases (gnomAD no frequency). This sequence change falls in intron 2 of the MYL2 gene. It does not directly change the encoded amino acid sequence of the MYL2 protein.